The following is an entry in ClinVar:

ClinVar aggregate classification (germline): Uncertain significance (1 of 4 stars; one submission).

Submission:

Labcorp Genetics (formerly Invitae), Labcorp
Classification: Uncertain significance. Last evaluated: 2024-10-07. Review status: criteria provided, single submitter. Criteria: Invitae Variant Classification Sherloc (09022015). Collection method: clinical testing. Allele origin: germline.
Comment: This sequence change replaces glutamic acid, which is acidic and polar, with glutamine, which is neutral and polar, at codon 162 of the TIMP3 protein (p.Glu162Gln). This variant is not present in population databases (gnomAD no frequency). This variant has not been reported in the literature in individuals affected with TIMP3-related conditions. An algorithm developed to predict the effect of missense changes on protein structure and function (PolyPhen-2) suggests that this variant is likely to be disruptive. In summary, the available evidence is currently insufficient to determine the role of this variant in disease. Therefore, it has been classified as a Variant of Uncertain Significance.

NM_000362.5(TIMP3):c.484G>C (p.Glu162Gln)

Genes: SYN3 (synapsin III; minus strand), TIMP3 (TIMP metallopeptidase inhibitor 3; plus strand). Cytogenetic location: 22q12.3.
Variant type: single nucleotide variant.
Coding change: c.484G>C on transcript NM_000362.5 (MANE Select); coding-DNA position 484, G replaced by C.
Protein change: p.Glu162Gln; replaces glutamic acid 162 with glutamine.
Molecular consequence: missense variant. On other transcripts: intron variant (7).
Genome position (GRCh38, 1-based): chr22:32,859,225, G>C. VCF-style: chr22-32859225-G-C. GRCh37 (hg19) VCF-style: chr22-33255212-G-C.
Other names: c.708+5690C>G (NM_001369909.1, NM_001135774.2, NM_001369910.1); c.711+5690C>G (NM_001369907.1, NM_003490.4, NM_001369908.1 and 1 more transcripts); short protein forms E162Q.
Identifiers: ClinVar variation 3722434 (VCV003722434.2).